The following is an entry in ClinVar:

NM_000229.2(LCAT):c.778A>G (p.Ser260Gly)

Gene: LCAT (lecithin-cholesterol acyltransferase; minus strand). Cytogenetic location: 16q22.1.
Variant type: single nucleotide variant.
Coding change: c.778A>G on transcript NM_000229.2 (MANE Select); coding-DNA position 778, A replaced by G.
Protein change: p.Ser260Gly; replaces serine 260 with glycine.
Molecular consequence: missense variant.
Genome position (GRCh38, 1-based): chr16:67,940,449, T>C on the plus strand (A>G on the coding strand, the complement: LCAT is on the minus strand). VCF-style: chr16-67940449-T-C. GRCh37 (hg19) VCF-style: chr16-67974352-T-C.
Other names: short protein forms S260G.
Identifiers: ClinVar variation 3290239 (VCV003290239.1).

ClinVar aggregate classification (germline): Uncertain significance (1 of 4 stars; one submission).

Conditions:
Cardiovascular phenotype. Identifiers: MedGen CN230736.

Submission:

Ambry Genetics
Classification: Uncertain significance for Cardiovascular phenotype. Last evaluated: 2024-04-06. Review status: criteria provided, single submitter. Criteria: Ambry Variant Classification Scheme 2023. Collection method: clinical testing. Allele origin: germline.
Comment: The p.S260G variant (also known as c.778A>G), located in coding exon 6 of the LCAT gene, results from an A to G substitution at nucleotide position 778. The serine at codon 260 is replaced by glycine, an amino acid with similar properties. This amino acid position is conserved. In addition, the in silico prediction for this alteration is inconclusive. Based on the available evidence, the clinical significance of this variant remains unclear.